The following is an entry in ClinVar:

NM_170606.3(KMT2C):c.13805T>C (p.Ile4602Thr)

Gene: KMT2C (lysine methyltransferase 2C; minus strand). Cytogenetic location: 7q36.1.
Variant type: single nucleotide variant.
Coding change: c.13805T>C on transcript NM_170606.3 (MANE Select); coding-DNA position 13805, T replaced by C.
Protein change: p.Ile4602Thr; replaces isoleucine 4602 with threonine.
Molecular consequence: missense variant.
Genome position (GRCh38, 1-based): chr7:152,148,122, A>G on the plus strand (T>C on the coding strand, the complement: KMT2C is on the minus strand). VCF-style: chr7-152148122-A-G. GRCh37 (hg19) VCF-style: chr7-151845207-A-G.
Other names: short protein forms I4602T.
Identifiers: ClinVar variation 4854179 (VCV004854179.1).

ClinVar aggregate classification (germline): Uncertain significance (1 of 4 stars; one submission).

Conditions:
Kleefstra syndrome 2 (KLEFS2). Identifiers: MedGen C4540395, MONDO:0054701, OMIM 617768.

Submission:

3billion
Classification: Uncertain significance for Kleefstra syndrome 2. Last evaluated: 2025-12-16. Review status: criteria provided, single submitter. Criteria: ACMG Guidelines, 2015. Collection method: clinical testing. Allele origin: germline. Affected: yes.
Comment: The variant is not observed in the gnomAD v4.1.0 dataset. Predicted Consequence/Location: Missense variant. The majority of the known disease-causing variants of this gene are variants expected to result in premature termination of the protein. In silico tool predictions suggest damaging effect of the variant on gene or gene product [REVEL: 0.88 (>=0.6, sensitivity 0.68 and specificity 0.92)]. Therefore, this variant is classified as VUS according to the recommendation of ACMG/AMP guideline.